The following is an entry in ClinVar:

ClinVar aggregate classification (germline): Uncertain significance (1 of 4 stars; one submission).

Submission:

GeneDx
Classification: Uncertain significance. Last evaluated: 2025-06-20. Review status: criteria provided, single submitter. Criteria: GeneDx Variant Classification Process June 2021. Collection method: clinical testing. Allele origin: germline. Affected: yes.
Comment: Not observed at significant frequency in large population cohorts (gnomAD); In silico analysis supports that this missense variant has a deleterious effect on protein structure/function; Has not been previously published as pathogenic or benign to our knowledge.

NM_001197104.2(KMT2A):c.11732C>T (p.Ser3911Leu)

Genes: KMT2A (lysine methyltransferase 2A; plus strand), TTC36-AS1 (TTC36 and KMT2A antisense RNA 1; minus strand). Cytogenetic location: 11q23.3.
Variant type: single nucleotide variant.
Coding change: c.11732C>T on transcript NM_001197104.2 (MANE Select); coding-DNA position 11732, C replaced by T.
Protein change: p.Ser3911Leu; replaces serine 3911 with leucine.
Molecular consequence: missense variant.
Genome position (GRCh38, 1-based): chr11:118,521,985, C>T. VCF-style: chr11-118521985-C-T. GRCh37 (hg19) VCF-style: chr11-118392700-C-T.
Other names: c.11822C>T, p.Ser3941Leu (NM_001412597.1); c.11723C>T, p.Ser3908Leu (NM_005933.4); short protein forms S3908L, S3911L, S3941L.
Identifiers: ClinVar variation 4538601 (VCV004538601.1).
Genomic context (GRCh38, chr11:118,521,985, plus strand): 5'-ATGACTCAGAGGTAGTGGATGCCACCATGCATGGAAATGCTGCACGCTTCATCAATCACT[C>T]GTGTGAGCCTAACTGCTATTCTCGGGTCATCAATATTGATGGGCAGAAGCACATTGTCAT-3'
Protein context (NP_001184033.1, residues 3901-3921): HGNAARFINH[Ser3911Leu]CEPNCYSRVI